The following is an entry in ClinVar:

NM_005591.4(MRE11):c.2121A>T (p.Arg707Ser)

Gene: MRE11 (MRE11 double strand break repair nuclease; minus strand). Cytogenetic location: 11q21.
Variant type: single nucleotide variant.
Coding change: c.2121A>T on transcript NM_005591.4 (MANE Select); coding-DNA position 2121, A replaced by T.
Protein change: p.Arg707Ser; replaces arginine 707 with serine.
Molecular consequence: missense variant.
Genome position (GRCh38, 1-based): chr11:94,420,131, T>A on the plus strand (A>T on the coding strand, the complement: MRE11 is on the minus strand). VCF-style: chr11-94420131-T-A. GRCh37 (hg19) VCF-style: chr11-94153297-T-A.
Other names: c.2118A>T, p.Arg706Ser (NM_001330347.2, NM_001440464.1, NM_001440465.1); c.2172A>T, p.Arg724Ser (NM_001440460.1, NM_001440461.1); c.2121A>T, p.Arg707Ser (NM_001440462.1, NM_001440463.1); c.2088A>T, p.Arg696Ser (NM_001440466.1); c.2058A>T, p.Arg686Ser (NM_001440467.1, NM_001440468.1, NM_001440469.1); c.2055A>T, p.Arg685Ser (NM_001440470.1); c.2046A>T, p.Arg682Ser (NM_001440471.1); c.2043A>T, p.Arg681Ser (NM_001440472.1); and 8 more; short protein forms R551S, R658S, R696S, R591S, R679S, R682S, R685S, R724S.
Identifiers: ClinVar variation 4650792 (VCV004650792.1).

ClinVar aggregate classification (germline): Uncertain significance (1 of 4 stars; one submission).

Conditions:
Hereditary cancer-predisposing syndrome. Also called: Neoplastic Syndromes, Hereditary; Tumor predisposition; Hereditary Cancer Syndrome; Hereditary neoplastic syndrome. Identifiers: Orphanet 140162, MedGen C0027672, MeSH D009386, MONDO:0015356.

gnomAD v4.1: 3 of 1,571,356 alleles (0.00019%); highest among the groups gnomAD compares: African/African-American, 0.0013%; no homozygotes.

Submission:

Ambry Genetics
Classification: Uncertain significance for Hereditary cancer-predisposing syndrome. Last evaluated: 2025-11-19. Review status: criteria provided, single submitter. Criteria: Ambry Variant Classification Scheme 2023. Collection method: clinical testing. Allele origin: germline.
Comment: The p.R707S variant (also known as c.2121A>T), located in coding exon 19 of the MRE11A gene, results from an A to T substitution at nucleotide position 2121. The arginine at codon 707 is replaced by serine, an amino acid with dissimilar properties. This amino acid position is conserved. In addition, the in silico prediction for this alteration is inconclusive. Based on the available evidence, the clinical significance of this variant remains unclear.